The following is an entry in ClinVar:

NM_007294.4(BRCA1):c.4381A>G (p.Ser1461Gly)

Gene: BRCA1 (BRCA1 DNA repair associated; minus strand). Cytogenetic location: 17q21.31.
Variant type: single nucleotide variant.
Coding change: c.4381A>G on transcript NM_007294.4 (MANE Select); coding-DNA position 4381, A replaced by G.
Protein change: p.Ser1461Gly; replaces serine 1461 with glycine.
Molecular consequence: missense variant. On other transcripts: non-coding transcript variant (1).
Genome position (GRCh38, 1-based): chr17:43,076,591, T>C on the plus strand (A>G on the coding strand, the complement: BRCA1 is on the minus strand). VCF-style: chr17-43076591-T-C. GRCh37 (hg19) VCF-style: chr17-41228608-T-C.
Other names: c.808A>G, p.Ser270Gly (NM_001408501.1, NM_001408496.1, NM_001408497.1 and 3 more transcripts); c.805A>G, p.Ser269Gly (NM_001408502.1, NM_001408503.1, NM_001408504.1); c.802A>G, p.Ser268Gly (NM_001408505.1); c.745A>G, p.Ser249Gly (NM_001408506.1); c.742A>G, p.Ser248Gly (NM_001408507.1); c.733A>G, p.Ser245Gly (NM_001408508.1); c.730A>G, p.Ser244Gly (NM_001408509.1); c.691A>G, p.Ser231Gly (NM_001408510.1); and 68 more; short protein forms S1390G, S1412G, S1414G, S1434G, S1435G, S1441G, S1460G, S245G.
Identifiers: ClinVar variation 2009627 (VCV002009627.5), dbSNP rs2154071694, ClinGen allele CA10592777.

ClinVar aggregate classification (germline): Uncertain significance. Review status: criteria provided, multiple submitters, no conflicts (2 of 4 stars). 2 submissions from 2 submitters: Uncertain significance (2). Last evaluated 2024-07-20.

Conditions:
Hereditary cancer-predisposing syndrome. Also called: Tumor predisposition; Neoplastic Syndromes, Hereditary; Hereditary Cancer Syndrome; Hereditary neoplastic syndrome. Identifiers: Orphanet 140162, MedGen C0027672, MeSH D009386, MONDO:0015356.
Hereditary breast ovarian cancer syndrome. Also called: Hereditary breast and ovarian cancer syndrome (HBOC); Hereditary breast and ovarian cancer syndrome; Hereditary breast and ovarian cancer; Breast and ovarian cancer; BRCA1- and BRCA2-Associated Hereditary Breast and Ovarian Cancer; Hereditary breast and/or ovarian cancer syndrome. Identifiers: Orphanet 145, MedGen C0677776, MeSH D061325, MONDO:0003582. Disease mechanism: loss of function.

Submissions (2):

Ambry Genetics
Classification: Uncertain significance for Hereditary cancer-predisposing syndrome. Last evaluated: 2024-07-20. Review status: criteria provided, single submitter. Criteria: Ambry Variant Classification Scheme 2023. Collection method: clinical testing. Allele origin: germline.
Comment: The p.S1461G variant (also known as c.4381A>G), located in coding exon 12 of the BRCA1 gene, results from an A to G substitution at nucleotide position 4381. The serine at codon 1461 is replaced by glycine, an amino acid with similar properties. This amino acid position is not well conserved in available vertebrate species. In addition, this alteration is predicted to be tolerated by in silico analysis. Based on the available evidence, the clinical significance of this variant remains unclear.

Labcorp Genetics (formerly Invitae), Labcorp
Classification: Uncertain significance for Hereditary breast ovarian cancer syndrome. Last evaluated: 2022-06-23. Review status: criteria provided, single submitter. Criteria: Invitae Variant Classification Sherloc (09022015). Collection method: clinical testing. Allele origin: germline.
Comment: In summary, the available evidence is currently insufficient to determine the role of this variant in disease. Therefore, it has been classified as a Variant of Uncertain Significance. Advanced modeling of protein sequence and biophysical properties (such as structural, functional, and spatial information, amino acid conservation, physicochemical variation, residue mobility, and thermodynamic stability) performed at Invitae indicates that this missense variant is not expected to disrupt BRCA1 protein function. This variant has not been reported in the literature in individuals affected with BRCA1-related conditions. This variant is not present in population databases (gnomAD no frequency). This sequence change replaces serine, which is neutral and polar, with glycine, which is neutral and non-polar, at codon 1461 of the BRCA1 protein (p.Ser1461Gly).